The following is an entry in ClinVar:

ClinVar aggregate classification (germline): Uncertain significance (1 of 4 stars; one submission).

Conditions:
Capillary malformation-arteriovenous malformation syndrome. Also called: Capillary malformation-arteriovenous malformation. Identifiers: Orphanet 137667, MedGen C1842180, MONDO:0012016.

gnomAD v4.1: 1 of 1,607,968 alleles (0.000062%); highest among the groups gnomAD compares: Non-Finnish European, 0.000085%; no homozygotes.

Submission:

Labcorp Genetics (formerly Invitae), Labcorp
Classification: Uncertain significance for Capillary malformation-arteriovenous malformation syndrome. Last evaluated: 2025-09-14. Review status: criteria provided, single submitter. Criteria: Invitae Variant Classification Sherloc (09022015). Collection method: clinical testing. Allele origin: germline.
Comment: This sequence change replaces leucine, which is neutral and non-polar, with proline, which is neutral and non-polar, at codon 252 of the RASA1 protein (p.Leu252Pro). This variant is not present in population databases (gnomAD no frequency). This variant has not been reported in the literature in individuals affected with RASA1-related conditions. An algorithm developed to predict the effect of missense changes on protein structure and function (PolyPhen-2) suggests that this variant is likely to be disruptive. In summary, the available evidence is currently insufficient to determine the role of this variant in disease. Therefore, it has been classified as a Variant of Uncertain Significance.

NM_002890.3(RASA1):c.755T>C (p.Leu252Pro)

Genes: CCNH (cyclin H; minus strand), RASA1 (RAS p21 protein activator 1; plus strand). Cytogenetic location: 5q14.3.
Variant type: single nucleotide variant.
Coding change: c.755T>C on transcript NM_002890.3 (MANE Select); coding-DNA position 755, T replaced by C.
Protein change: p.Leu252Pro; replaces leucine 252 with proline.
Molecular consequence: missense variant. On other transcripts: intron variant (1).
Genome position (GRCh38, 1-based): chr5:87,332,569, T>C. VCF-style: chr5-87332569-T-C. GRCh37 (hg19) VCF-style: chr5-86628386-T-C.
Other names: c.224T>C, p.Leu75Pro (NM_022650.3); c.934-19774A>G (NM_001364075.2); short protein forms L75P, L252P.
Identifiers: ClinVar variation 4726832 (VCV004726832.1).